The following is an entry in ClinVar:

NM_000179.3(MSH6):c.3801+8C>A

Gene: MSH6 (mutS homolog 6; plus strand). Cytogenetic location: 2p16.3.
Variant type: single nucleotide variant.
Coding change: c.3801+8C>A on transcript NM_000179.3 (MANE Select); 8 bases into the intron after coding-DNA position 3801, C replaced by A.
Molecular consequence: intron variant.
Genome position (GRCh38, 1-based): chr2:47,806,366, C>A. VCF-style: chr2-47806366-C-A. GRCh37 (hg19) VCF-style: chr2-48033505-C-A.
Other names: c.2895+8C>A (NM_001281493.2, NM_001281494.2); c.3411+8C>A (NM_001281492.2).
Identifiers: ClinVar variation 221069 (VCV000221069.15), dbSNP rs864622734, ClinGen allele CA350234.

ClinVar aggregate classification (germline): Likely benign. Review status: criteria provided, multiple submitters, no conflicts (2 of 4 stars). 4 submissions from 4 submitters: Likely benign (4). Last evaluated 2025-11-25.

Conditions:
Hereditary nonpolyposis colorectal neoplasms. Identifiers: MedGen C0009405, MeSH D003123.
Hereditary cancer-predisposing syndrome. Also called: Hereditary neoplastic syndrome; Tumor predisposition; Hereditary Cancer Syndrome; Neoplastic Syndromes, Hereditary. Identifiers: Orphanet 140162, MedGen C0027672, MeSH D009386, MONDO:0015356.
Lynch syndrome 5 (LYNCH5). Also called: Colorectal cancer, hereditary nonpolyposis, type 5; Hereditary non-polyposis colorectal cancer, type 5. Identifiers: Orphanet 144, MedGen C1833477, MONDO:0013710, OMIM 614350. Disease mechanism: loss of function.

Allele frequency attached by ClinVar (database versions not stated): TOPMed below 0.00001; gnomAD 0.00001.
gnomAD v4.1: 1 of 1,613,900 alleles (0.000062%); highest among the groups gnomAD compares: Non-Finnish European, 0.000085%; no homozygotes.

Submissions (4):

Labcorp Genetics (formerly Invitae), Labcorp
Classification: Likely benign for Hereditary nonpolyposis colorectal neoplasms. Last evaluated: 2025-11-25. Review status: criteria provided, single submitter. Criteria: Invitae Variant Classification Sherloc (09022015). Collection method: clinical testing. Allele origin: germline.

Myriad Genetics, Inc.
Classification: Likely benign for Lynch syndrome 5. Last evaluated: 2025-01-08. Review status: criteria provided, single submitter. Criteria: Myriad Autosomal Dominant, Autosomal Recessive and X-Linked Classification Criteria (2023). Collection method: clinical testing. Allele origin: unknown.
Comment: This variant is considered likely benign. This variant is intronic and is not expected to impact mRNA splicing.

GeneDx
Classification: Likely benign. Last evaluated: 2017-10-07. Review status: criteria provided, single submitter. Criteria: GeneDx Variant Classification (06012015). Collection method: clinical testing. Allele origin: germline. Affected: yes.
Comment: This variant is considered likely benign or benign based on one or more of the following criteria: it is a conservative change, it occurs at a poorly conserved position in the protein, it is predicted to be benign by multiple in silico algorithms, and/or has population frequency not consistent with disease.

Color Diagnostics, LLC DBA Color Health
Classification: Likely benign for Hereditary cancer-predisposing syndrome. Last evaluated: 2017-02-16. Review status: criteria provided, single submitter. Criteria: ACMG Guidelines, 2015. Collection method: clinical testing. Allele origin: germline.